The following is an entry in ClinVar:

ClinVar aggregate classification (germline): Conflicting classifications of pathogenicity. Review status: criteria provided, conflicting classifications (1 of 4 stars). 12 submissions from 12 submitters: Uncertain significance (5); Benign (1); Likely benign (3). 3 of the submissions do not count toward it. Last evaluated 2026-01-28.

Conditions:
ADGRV1-related disorder. Also called: ADGRV1-related condition; ADGRV1-related disorders.
Usher syndrome type 2C. Also called: Usher syndrome, type 2B; USHER SYNDROME, TYPE IIC. Identifiers: Orphanet 231178, Orphanet 886, MedGen C2931213, MONDO:0011558, OMIM 605472.

Allele frequency attached by ClinVar (database versions not stated): ESP Exome Variant Server 0.00017; ExAC 0.00023; gnomAD exomes 0.00029; gnomAD 0.00044 and 0.00046; 1000 Genomes Project 0.00060; TOPMed 0.00062; 1000 Genomes Project 30x 0.00094.
gnomAD v4.1: 416 of 1,587,524 alleles (0.026%); highest among the groups gnomAD compares: Middle Eastern, 0.25%; 1 homozygote.

Submissions (12):

Labcorp Genetics (formerly Invitae), Labcorp
Classification: Benign. Last evaluated: 2026-01-28. Review status: criteria provided, single submitter. Criteria: Invitae Variant Classification Sherloc (09022015). Collection method: clinical testing. Allele origin: germline.

Blueprint Genetics
Classification: Likely benign. Last evaluated: 2024-11-17. Review status: criteria provided, single submitter. Criteria: ACMG Guidelines, 2015. Collection method: clinical testing. Allele origin: germline.

CeGaT Center for Human Genetics Tuebingen
Classification: Uncertain significance. Last evaluated: 2023-09-01. Review status: criteria provided, single submitter. Criteria: CeGaT Center For Human Genetics Tuebingen Variant Classification Criteria Version 2. Collection method: clinical testing. Allele origin: germline. Affected: yes. Observed: 1 variant allele.

GeneDx
Classification: Likely benign. Last evaluated: 2020-05-13. Review status: criteria provided, single submitter. Criteria: GeneDx Variant Classification Process June 2021. Collection method: clinical testing. Allele origin: germline. Affected: yes.
Comment: This variant is associated with the following publications: (PMID: 26969326)

Mendelics
Classification: Uncertain significance for Usher syndrome type 2C. Last evaluated: 2019-05-28. Review status: criteria provided, single submitter. Criteria: Mendelics Assertion Criteria 2017. Collection method: clinical testing. Allele origin: unknown.

Illumina Laboratory Services, Illumina
Classification: Uncertain significance for Usher syndrome type 2C. Last evaluated: 2018-01-13. Review status: criteria provided, single submitter. Criteria: ICSL Variant Classification Criteria 13 December 2019. Collection method: clinical testing. Allele origin: germline.

ARUP Laboratories, Molecular Genetics and Genomics, ARUP Laboratories
Classification: Uncertain significance. Last evaluated: 2017-12-29. Review status: criteria provided, single submitter. Criteria: ARUP Molecular Germline Variant Investigation Process. Collection method: clinical testing. Allele origin: germline.
Comment: The ADGRV1 p.Val617Met variant (rs199988872) was reported in one individual with a diagnosis of Usher syndrome type 2C who also harbored the ADGRV1 p.Ile2332Phe variant (Sloan-Heggen 2016). The p.Val617Met variant is listed in the Genome Aggregation Database (gnomAD) with an allele frequency of 0.3 percent in the Ashkenazi Jewish population (identified on 28 out of 10,044 chromosomes) and has been reported to the ClinVar database (Variation ID: 137500). The valine at position 617 is highly conserved considering 12 species up to zebrafish (Alamut software v2.10.0), and computational analyses predict conflicting effects of this variant on protein structure/function (SIFT: damaging, GVGD: class C0, PolyPhen-2: possibly damaging). Altogether, there is not enough evidence to classify the p.Val617Met variant with certainty.

Laboratory for Molecular Medicine, Mass General Brigham Personalized Medicine
Classification: Likely benign. Last evaluated: 2017-04-20. Review status: criteria provided, single submitter. Criteria: LMM Criteria. Collection method: clinical testing. Allele origin: germline. Observed: 1 variant allele.
Comment: p.Val617Met in exon 10 of GPR98: This variant is not expected to have clinical s ignificance because it has been identified in 0.3% (28/10044) of Ashkenazi Jewis h chromosomes by the Genome Aggregation Database (gnomAD; dbSNP rs199988872).

Eurofins Ntd Llc (ga)
Classification: Uncertain significance. Last evaluated: 2016-02-12. Review status: criteria provided, single submitter. Criteria: EGL Classification Definitions 2015. Collection method: clinical testing. Allele origin: germline. Observed: 2 variant alleles, 2 heterozygotes.

PreventionGenetics, part of Exact Sciences
Classification: Likely benign for ADGRV1-related condition. Last evaluated: 2024-08-07. Review status: no assertion criteria provided. Collection method: clinical testing. Allele origin: germline. Not counted in ClinVar's aggregate classification.
Comment: This variant is classified as likely benign based on ACMG/AMP sequence variant interpretation guidelines (Richards et al. 2015 PMID: 25741868, with internal and published modifications).

Clinical Genetics DNA and cytogenetics Diagnostics Lab, Erasmus MC, Erasmus Medical Center
Classification: Uncertain significance. Review status: no assertion criteria provided. Collection method: clinical testing. Allele origin: germline. Affected: yes. Study: VKGL Data-share Consensus. Not counted in ClinVar's aggregate classification.

Joint Genome Diagnostic Labs from Nijmegen and Maastricht, Radboudumc and MUMC+
Classification: Uncertain significance. Review status: no assertion criteria provided. Collection method: clinical testing. Allele origin: germline. Affected: yes. Study: VKGL Data-share Consensus. Not counted in ClinVar's aggregate classification.

Literature cited by the submitters: PubMed 26969326 (cited by Laboratory for Molecular Medicine, Mass General Brigham Personalized Medicine).

NM_032119.4(ADGRV1):c.1849G>A (p.Val617Met)

Gene: ADGRV1 (adhesion G protein-coupled receptor V1; plus strand). Cytogenetic location: 5q14.3.
Variant type: single nucleotide variant.
Coding change: c.1849G>A on transcript NM_032119.4 (MANE Select); coding-DNA position 1849, G replaced by A.
Protein change: p.Val617Met; replaces valine 617 with methionine.
Molecular consequence: missense variant. On other transcripts: non-coding transcript variant (1).
Genome position (GRCh38, 1-based): chr5:90,635,123, G>A. VCF-style: chr5-90635123-G-A. GRCh37 (hg19) VCF-style: chr5-89930940-G-A.
Other names: p.V617M:GTG>ATG; short protein forms V617M.
Identifiers: ClinVar variation 137500 (VCV000137500.57), dbSNP rs199988872, ClinGen allele CA291107.